The following is an entry in ClinVar:

NM_022489.4(INF2):c.2127G>A (p.Leu709=)

Gene: INF2 (inverted formin 2; plus strand). Cytogenetic location: 14q32.33.
Variant type: single nucleotide variant.
Coding change: c.2127G>A on transcript NM_022489.4 (MANE Select); coding-DNA position 2127, G replaced by A.
Protein change: p.Leu709=; no amino-acid change (leucine 709 retained).
Molecular consequence: synonymous variant.
Genome position (GRCh38, 1-based): chr14:104,709,694, G>A. VCF-style: chr14-104709694-G-A. GRCh37 (hg19) VCF-style: chr14-105176031-G-A.
Other names: c.2127G>A, p.Leu709= (NM_001031714.4).
Identifiers: ClinVar variation 2630941 (VCV002630941.1), dbSNP rs2541931409, ClinGen allele CA488445438.
Genomic context (GRCh38, chr14:104,709,694, plus strand): 5'-GGCATTCACAGAGGAGCGAGCCAAGCTGGCCAGCGCCGACCACTTCTACCTCCTCCTGCT[G>A]GCCATTCCCTGGTGAGCATGGCCGCCCTCAGACCCCAGGGCCTGGGCCCCAGGTGGGAGG-3'
Protein context (NP_071934.3, residues 699-719): ASADHFYLLL[Leu709=]AIPCYQLRIE

ClinVar aggregate classification (germline): Uncertain significance (1 of 4 stars; one submission).

Conditions:
INF2-related disorder. Also called: INF2-related condition.

Submission:

PreventionGenetics, part of Exact Sciences
Classification: Uncertain significance for INF2-related condition. Last evaluated: 2023-08-30. Review status: criteria provided, single submitter. Criteria: ACMG Guidelines, 2015. Collection method: clinical testing. Allele origin: germline.
Comment: The INF2 c.2127G>A variant is not predicted to result in an amino acid change (p.=). This variant is predicted to possibly create an acceptor splice site within the exon (Alamut Visual Plus v1.6.1). To our knowledge, this variant has not been reported in the literature or in a large population database, indicating this variant is rare. At this time, the clinical significance of this variant is uncertain due to the absence of conclusive functional and genetic evidence.